The following is an entry in ClinVar:

ClinVar aggregate classification (germline): Uncertain significance (1 of 4 stars; one submission).

Allele frequency attached by ClinVar (database versions not stated): gnomAD exomes below 0.00001; TOPMed below 0.00001; ExAC 0.00001; gnomAD 0.00001.
gnomAD v4.1: 4 of 1,614,022 alleles (0.00025%); highest among the groups gnomAD compares: Admixed American, 0.0033%; no homozygotes.

Submission:

Labcorp Genetics (formerly Invitae), Labcorp
Classification: Uncertain significance. Last evaluated: 2023-02-06. Review status: criteria provided, single submitter. Criteria: Invitae Variant Classification Sherloc (09022015). Collection method: clinical testing. Allele origin: germline.
Comment: This sequence change replaces serine, which is neutral and polar, with glycine, which is neutral and non-polar, at codon 504 of the DHX30 protein (p.Ser504Gly). This variant is present in population databases (rs771836770, gnomAD 0.003%). This variant has not been reported in the literature in individuals affected with DHX30-related conditions. Algorithms developed to predict the effect of missense changes on protein structure and function output the following: SIFT: "Tolerated"; PolyPhen-2: "Benign"; Align-GVGD: "Class C0". The glycine amino acid residue is found in multiple mammalian species, which suggests that this missense change does not adversely affect protein function. In summary, the available evidence is currently insufficient to determine the role of this variant in disease. Therefore, it has been classified as a Variant of Uncertain Significance.

NM_138615.3(DHX30):c.1510A>G (p.Ser504Gly)

Gene: DHX30 (DExH-box helicase 30; plus strand). Cytogenetic location: 3p21.31.
Variant type: single nucleotide variant.
Coding change: c.1510A>G on transcript NM_138615.3 (MANE Select); coding-DNA position 1510, A replaced by G.
Protein change: p.Ser504Gly; replaces serine 504 with glycine.
Molecular consequence: missense variant.
Genome position (GRCh38, 1-based): chr3:47,846,582, A>G. VCF-style: chr3-47846582-A-G. GRCh37 (hg19) VCF-style: chr3-47888072-A-G.
Other names: c.1426A>G, p.Ser476Gly (NM_001330990.2); c.1393A>G, p.Ser465Gly (NM_014966.4); short protein forms S465G, S476G, S504G.
Identifiers: ClinVar variation 2834350 (VCV002834350.3), dbSNP rs771836770, ClinGen allele CA2369925.